The following is an entry in ClinVar:

NM_001042492.3(NF1):c.5891_5892insAT (p.Asp1964fs)

Gene: NF1 (neurofibromin 1; plus strand). Cytogenetic location: 17q11.2.
Variant type: Insertion.
Coding change: c.5891_5892insAT on transcript NM_001042492.3 (MANE Select); coding-DNA positions 5891 to 5892, AT inserted.
Protein change: p.Asp1964fs; shifts the reading frame from aspartic acid 1964.
Molecular consequence: frameshift variant.
Genome position: GRCh38 VCF-style: chr17-31334916-A-AAT. GRCh37 (hg19) VCF-style: chr17-29661934-A-AAT.
Other names: c.5828_5829insAT, p.Asp1943Glufs (NM_000267.4); short protein forms D1943fs, D1964fs.
Identifiers: ClinVar variation 2756436 (VCV002756436.3), dbSNP rs2508736707, ClinGen allele CA2697559593.

ClinVar aggregate classification (germline): Pathogenic (1 of 4 stars; one submission).

Conditions:
Neurofibromatosis, type 1 (NF1). Also called: VON RECKLINGHAUSEN DISEASE; NEUROFIBROMATOSIS, TYPE I, SOMATIC; Peripheral type neurofibromatosis; Neurofibromatosis, type I. Identifiers: Orphanet 636, MedGen C0027831, MONDO:0018975, OMIM 162200. Disease mechanism: loss of function.

Submission:

Labcorp Genetics (formerly Invitae), Labcorp
Classification: Pathogenic for Neurofibromatosis, type 1. Last evaluated: 2023-08-30. Review status: criteria provided, single submitter. Criteria: Invitae Variant Classification Sherloc (09022015). Collection method: clinical testing. Allele origin: germline.
Comment: This sequence change creates a premature translational stop signal (p.Asp1943Glufs*16) in the NF1 gene. It is expected to result in an absent or disrupted protein product. Loss-of-function variants in NF1 are known to be pathogenic (PMID: 10712197, 23913538). This variant is not present in population databases (gnomAD no frequency). This variant has not been reported in the literature in individuals affected with NF1-related conditions. For these reasons, this variant has been classified as Pathogenic.

Literature cited by the submitters: PubMed 10712197; PubMed 23913538.